The following is an entry in ClinVar:

NM_000257.4(MYH7):c.2045-11T>G

Gene: MYH7 (myosin heavy chain 7; minus strand). Cytogenetic location: 14q11.2.
Variant type: single nucleotide variant.
Coding change: c.2045-11T>G on transcript NM_000257.4 (MANE Select); 11 bases into the intron before coding-DNA position 2045, T replaced by G.
Molecular consequence: intron variant.
Genome position (GRCh38, 1-based): chr14:23,426,092, A>C on the plus strand (T>G on the coding strand, the complement: MYH7 is on the minus strand). VCF-style: chr14-23426092-A-C. GRCh37 (hg19) VCF-style: chr14-23895301-A-C.
Identifiers: ClinVar variation 1268768 (VCV001268768.10), dbSNP rs368721414, ClinGen allele CA031009.

ClinVar aggregate classification (germline): Benign/Likely benign. Review status: criteria provided, multiple submitters, no conflicts (2 of 4 stars). 3 submissions from 3 submitters: Benign (1); Likely benign (2). Last evaluated 2026-01-26.

Conditions:
Hypertrophic cardiomyopathy. Also called: HYPERTROPHIC MYOCARDIOPATHY. Identifiers: Orphanet 217569, MedGen C0007194, MeSH D002312, MONDO:0005045, HP:0001639.
Cardiomyopathy (CMYO). Also called: Cardiomyopathies. Identifiers: Orphanet 167848, MedGen C0878544, MONDO:0004994, HP:0001638. Inheritance: Various modes of inheritance.

Allele frequency attached by ClinVar (database versions not stated): gnomAD exomes 0.00001 and 0.00003; ExAC 0.00003; gnomAD 0.00005 and 0.00006; ESP Exome Variant Server 0.00008; TOPMed 0.00008.
gnomAD v4.1: 18 of 1,613,888 alleles (0.0011%); highest among the groups gnomAD compares: African/African-American, 0.02%; no homozygotes.

Submissions (3):

Labcorp Genetics (formerly Invitae), Labcorp
Classification: Likely benign for Hypertrophic cardiomyopathy. Last evaluated: 2026-01-26. Review status: criteria provided, single submitter. Criteria: Invitae Variant Classification Sherloc (09022015). Collection method: clinical testing. Allele origin: germline.

All of Us Research Program, National Institutes of Health
Classification: Likely benign for Cardiomyopathy. Last evaluated: 2023-08-15. Review status: criteria provided, single submitter. Criteria: ACMG Guidelines, 2015. Collection method: clinical testing. Allele origin: germline. Inheritance: Autosomal dominant inheritance. Observed: 3 variant alleles, 3 heterozygotes.
Comment: This study involves interpretation of variants in research participants for the purpose of population health screening. Participant phenotype was not available at the time of variant classification. Additional details can be found in publication PMID: 35346344, PMCID: PMC8962531

GeneDx
Classification: Benign. Last evaluated: 2015-03-03. Review status: criteria provided, single submitter. Criteria: GeneDx Variant Classification Process June 2021. Collection method: clinical testing. Allele origin: germline. Affected: yes.